The following continues an entry in ClinVar:

NM_000059.4(BRCA2):c.8168A>G (p.Asp2723Gly)

Gene: BRCA2. ClinVar aggregate classification (germline): Pathogenic. Pathogenic (1).

Submissions 18 to 21 of 21:

CZECANCA consortium
Classification: Pathogenic for Breast and/or ovarian cancer. Last evaluated: 2019-06-11. Review status: no assertion criteria provided. Collection method: clinical testing. Allele origin: germline. Affected: yes. Observed: 1 variant allele. Not counted in ClinVar's aggregate classification.

Counsyl
Classification: Pathogenic for Breast-ovarian cancer, familial, susceptibility to, 2. Last evaluated: 2017-10-23. Review status: no assertion criteria provided. Collection method: clinical testing. Allele origin: unknown. Not counted in ClinVar's aggregate classification.

Sharing Clinical Reports Project (SCRP)
Classification: Pathogenic for Breast-ovarian cancer, familial 2. Last evaluated: 2013-10-29. Review status: no assertion criteria provided. Collection method: clinical testing. Allele origin: germline. Not counted in ClinVar's aggregate classification.

Breast Cancer Information Core (BIC) (BRCA2)
Classification: Uncertain significance for Breast-ovarian cancer, familial 2. Last evaluated: 2002-05-29. Review status: no assertion criteria provided. Collection method: clinical testing. Allele origin: germline. Affected: yes. Observed: 6 variant alleles. Not counted in ClinVar's aggregate classification.

Literature cited by the submitters: PubMed 23108138 (cited by 3 submitters); PubMed 25452441 (cited by 7 submitters); PubMed 27886673 (cited by 6 submitters); PubMed 33609447 (cited by 3 submitters); PubMed 18451181 (cited by 6 submitters); PubMed 20513136 (cited by 9 submitters); PubMed 21673748 (cited by 5 submitters); PubMed 25146914 (cited by 6 submitters); PubMed 15290653 (cited by Labcorp Genetics (formerly Invitae), Labcorp and GeneKor MSA); PubMed 15695382 (cited by Labcorp Genetics (formerly Invitae), Labcorp and GeneKor MSA); PubMed 16489001 (cited by Labcorp Genetics (formerly Invitae), Labcorp and GeneKor MSA); PubMed 18607349 (cited by Labcorp Genetics (formerly Invitae), Labcorp and GeneKor MSA); PubMed 24013206 (cited by Labcorp Genetics (formerly Invitae), Labcorp and GeneKor MSA); PubMed 8451181 (cited by Variantyx, Inc.); PubMed 20215541 (cited by 6 submitters); PubMed 29088781 (cited by 4 submitters); PubMed 29446198 (cited by Women's Health and Genetics/Laboratory Corporation of America, LabCorp); PubMed 21990134 (cited by 3 submitters); PubMed 24052750 (cited by 3 submitters); PubMed 29335924 (cited by 4 submitters); PubMed 31612916 (cited by Department of Pathology and Laboratory Medicine, Sinai Health System and Quest Diagnostics Nichols Institute San Juan Capistrano); PubMed 34906479 (cited by 4 submitters); PubMed 29988080 (cited by Department of Pathology and Laboratory Medicine, Sinai Health System); PubMed 17924331 (cited by 4 submitters); PubMed 28339459 (cited by 3 submitters); PubMed 29394989 (cited by 3 submitters); PubMed 31853058 (cited by Color Diagnostics, LLC DBA Color Health); PubMed 19043619 (cited by Quest Diagnostics Nichols Institute San Juan Capistrano and Ambry Genetics); PubMed 22505045 (cited by Quest Diagnostics Nichols Institute San Juan Capistrano); PubMed 28857155 (cited by Quest Diagnostics Nichols Institute San Juan Capistrano); PubMed 33978741 (cited by Quest Diagnostics Nichols Institute San Juan Capistrano and All of Us Research Program, National Institutes of Health); PubMed 18951446 (cited by Quest Diagnostics Nichols Institute San Juan Capistrano); PubMed 26295337 (cited by Quest Diagnostics Nichols Institute San Juan Capistrano); PubMed 23348723 (cited by Ambry Genetics); PubMed 36988593 (cited by Laboratory for Genotyping Development, RIKEN); PubMed 32295079 (cited by CZECANCA consortium).